The following is an entry in ClinVar:

NM_001083926.2(ASRGL1):c.589G>T (p.Val197Phe)

Gene: ASRGL1 (asparaginase and isoaspartyl peptidase 1; plus strand). Cytogenetic location: 11q12.3.
Variant type: single nucleotide variant.
Coding change: c.589G>T on transcript NM_001083926.2 (MANE Select); coding-DNA position 589, G replaced by T.
Protein change: p.Val197Phe; replaces valine 197 with phenylalanine.
Molecular consequence: missense variant.
Genome position (GRCh38, 1-based): chr11:62,389,230, G>T. VCF-style: chr11-62389230-G-T. GRCh37 (hg19) VCF-style: chr11-62156702-G-T.
Other names: c.589G>T, p.Val197Phe (NM_025080.4); short protein forms V197F.
Identifiers: ClinVar variation 3708047 (VCV003708047.2).
Genomic context (GRCh38, chr11:62,389,230, plus strand): 5'-AAAGGGAATGTAGCCTACGCAACCTCCACAGGCGGTATCGTTAATAAAATGGTCGGCCGC[G>T]TTGGGGACTCACCGTGTCTAGGTAGGACCAAGGGATGCCTCCTGCCCCTTCCCCTCTTCT-3'
Protein context (NP_001077395.1, residues 187-207): GGIVNKMVGR[Val197Phe]GDSPCLGAGG

ClinVar aggregate classification (germline): Uncertain significance (1 of 4 stars; one submission).

gnomAD v4.1: 12 of 1,614,074 alleles (0.00074%); highest among the groups gnomAD compares: African/African-American, 0.0013%; no homozygotes.

Submission:

Labcorp Genetics (formerly Invitae), Labcorp
Classification: Uncertain significance. Last evaluated: 2024-02-02. Review status: criteria provided, single submitter. Criteria: Invitae Variant Classification Sherloc (09022015). Collection method: clinical testing. Allele origin: germline.
Comment: This sequence change replaces valine, which is neutral and non-polar, with phenylalanine, which is neutral and non-polar, at codon 197 of the ASRGL1 protein (p.Val197Phe). This variant is present in population databases (rs201840661, gnomAD 0.005%). This variant has not been reported in the literature in individuals affected with ASRGL1-related conditions. An algorithm developed to predict the effect of missense changes on protein structure and function (PolyPhen-2) suggests that this variant is likely to be disruptive. In summary, the available evidence is currently insufficient to determine the role of this variant in disease. Therefore, it has been classified as a Variant of Uncertain Significance.